The following is an entry in ClinVar:

ClinVar aggregate classification (germline): Likely benign. Review status: reviewed by expert panel (3 of 4 stars). 4 submissions from 4 submitters: Likely benign (1). 3 of the submissions do not count toward it. Last evaluated 2022-04-16.

Conditions:
Monogenic diabetes. Identifiers: Orphanet 183625, MedGen C3888631, MONDO:0015967.
Maturity-onset diabetes of the young (MODY). Also called: Maturity onset diabetes mellitus in young. Identifiers: Orphanet 552, MedGen C0342276, MONDO:0018911, HP:0004904.

Allele frequency attached by ClinVar (database versions not stated): ExAC 0.00002; gnomAD 0.00005 and 0.00004; TOPMed 0.00005.

Submissions (4):

ClinGen Monogenic Diabetes Variant Curation Expert Panel
Classification: Likely benign for Monogenic diabetes. Last evaluated: 2022-04-16. Review status: reviewed by expert panel. Criteria: ClinGen Diabetes ACMG Specifications v1 1. Collection method: curation. Allele origin: germline. Inheritance: Autosomal dominant inheritance.
Comment: The c.1383C>T variant in the HNF1 homeobox A gene, HNF1A, is a synonymous (silent) variant at codon 461 (p.(Pro461=)) of NM_000545.8. This variant was identified in a patient with an alternate molecular basis for disease (BP5; ClinVar: SCV000595127.1, personal communication from Genetic Services Laboratory, University of Chicago). Additionally, this synonymous variant is not predicted by SpliceAI to impact splicing (BP7). The variant frequency fell between the ClinGen MDEP BS1 and PM2_Supporting cutoffs; therefore, neither was applied. In summary, c.1383C>T meets the criteria to be classified as likely benign for monogenic diabetes. ACMG/AMP criteria applied, as specified by the ClinGen MDEP (specification version 1.1, approved 9/30/21): BP5, BP7.

Ambry Genetics
Classification: Likely benign for Maturity-onset diabetes of the young. Last evaluated: 2021-01-28. Review status: criteria provided, single submitter. Criteria: Ambry Variant Classification Scheme 2023. Collection method: clinical testing. Allele origin: germline. Not counted in ClinVar's aggregate classification.

Genetic Services Laboratory, University of Chicago
Classification: Likely benign. Last evaluated: 2016-06-21. Review status: criteria provided, single submitter. Criteria: ACMG Guidelines, 2015. Collection method: clinical testing. Allele origin: germline. Affected: no. Not counted in ClinVar's aggregate classification.

Clinical Genomics, Uppaluri K&H Personalized Medicine Clinic
Classification: Benign for Maturity-onset diabetes of the young. Review status: criteria provided, single submitter. Criteria: K & H Uppaluri Personalized Medicine Clinic Variant Classification & Assertion Criteria_Updated V.1. Collection method: research. Allele origin: unknown. Inheritance: Autosomal dominant inheritance. Not counted in ClinVar's aggregate classification.
Comment: Mutations in HNF1A gene can predispose to MODY3. It is associated with both micro and macrovascular complications of diabetes, especially cardiovascular complications. Associated with glucosuria. May respond well to sulfonylureas. However, more evidence is required to confer the association of this particular variant rs772756175 with MODY3.

Literature cited by the submitters: PubMed 31517624 (cited by Clinical Genomics, Uppaluri K&H Personalized Medicine Clinic); PubMed 32395877 (cited by Clinical Genomics, Uppaluri K&H Personalized Medicine Clinic); PubMed 35328643 (cited by Clinical Genomics, Uppaluri K&H Personalized Medicine Clinic); PubMed 35673428 (cited by Clinical Genomics, Uppaluri K&H Personalized Medicine Clinic).

NM_000545.8(HNF1A):c.1383C>T (p.Pro461=)

Gene: HNF1A (HNF1 homeobox A; plus strand). Cytogenetic location: 12q24.31.
Variant type: single nucleotide variant.
Coding change: c.1383C>T on transcript NM_000545.8 (MANE Select); coding-DNA position 1383, C replaced by T.
Protein change: p.Pro461=; no amino-acid change (proline 461 retained).
Molecular consequence: synonymous variant.
Genome position (GRCh38, 1-based): chr12:120,997,547, C>T. VCF-style: chr12-120997547-C-T. GRCh37 (hg19) VCF-style: chr12-121435350-C-T.
Other names: NM_000545.8(HNF1A):c.1383C>T; p.Pro461=; c.1383C>T, p.Pro461= (NM_001306179.2).
Identifiers: ClinVar variation 435419 (VCV000435419.9), dbSNP rs772756175, ClinGen allele CA6832031.
Genomic context (GRCh38, chr12:120,997,547, plus strand): 5'-GCAGGCACAGAGTGTGCCGGTCATCAACAGCATGGGCAGCAGCCTGACCACCCTGCAGCC[C>T]GTCCAGTTCTCCCAGCCGCTGCACCCCTCCTACCAGCAGCCGCTCATGCCACCTGTGCAG-3'
Protein context (NP_000536.6, residues 451-471): SMGSSLTTLQ[Pro461=]VQFSQPLHPS